The following is an entry in ClinVar:

NM_206933.4(USH2A):c.286A>G (p.Thr96Ala)

Gene: USH2A (usherin; minus strand). Cytogenetic location: 1q41.
Variant type: single nucleotide variant.
Coding change: c.286A>G on transcript NM_206933.4 (MANE Select); coding-DNA position 286, A replaced by G.
Protein change: p.Thr96Ala; replaces threonine 96 with alanine.
Molecular consequence: missense variant.
Genome position (GRCh38, 1-based): chr1:216,422,051, T>C on the plus strand (A>G on the coding strand, the complement: USH2A is on the minus strand). VCF-style: chr1-216422051-T-C. GRCh37 (hg19) VCF-style: chr1-216595393-T-C.
Other names: c.286A>G, p.Thr96Ala (NM_007123.6); short protein forms T96A.
Identifiers: ClinVar variation 1055749 (VCV001055749.15), dbSNP rs557642490, ClinGen allele CA1396820.

ClinVar aggregate classification (germline): Uncertain significance. Review status: criteria provided, multiple submitters, no conflicts (2 of 4 stars). 8 submissions from 7 submitters: Uncertain significance (7). 1 of the submissions does not count toward it. Last evaluated 2026-04-21.

Conditions:
Retinitis pigmentosa 39 (RP39). Identifiers: Orphanet 791, MedGen C3151138, MONDO:0013436, OMIM 613809.
Usher syndrome type 2A. Also called: RETINAL DISEASE IN USHER SYNDROME TYPE IIA, MODIFIER OF; USHER SYNDROME, TYPE IIA. Identifiers: Orphanet 231178, Orphanet 886, MedGen C1848634, MONDO:0010169, OMIM 276901.
USH2A-related disorder. Also called: USH2A-related disorders; USH2A-related condition. Identifiers: MedGen CN239332.
Inborn genetic diseases. Identifiers: MedGen C0950123, MeSH D030342.

Allele frequency attached by ClinVar (database versions not stated): gnomAD exomes 0.00004 and 0.00010; ExAC 0.00006; TOPMed 0.00008.
gnomAD v4.1: 160 of 1,613,652 alleles (0.0099%); highest among the groups gnomAD compares: Non-Finnish European, 0.013%; no homozygotes.

Submissions (8):

PreventionGenetics, part of Exact Sciences
Classification: Uncertain significance for USH2A-related condition. Last evaluated: 2026-04-21. Review status: criteria provided, single submitter. Criteria: ACMG Guidelines, 2015. Collection method: clinical testing. Allele origin: germline.
Comment: The USH2A c.286A>G variant is predicted to result in the amino acid substitution p.Thr96Ala. To our knowledge, this variant has not been reported in the literature. This variant is reported in 0.010% of alleles in individuals of European (Non-Finnish) descent in gnomAD. At this time, the clinical significance of this variant is uncertain due to the absence of conclusive functional and genetic evidence.

GeneDx
Classification: Uncertain significance. Last evaluated: 2025-12-19. Review status: criteria provided, single submitter. Criteria: GeneDx Variant Classification Process June 2021. Collection method: clinical testing. Allele origin: germline. Affected: yes.
Comment: In silico analysis suggests that this missense variant does not alter protein structure/function; Has not been previously published as pathogenic or benign to our knowledge

Ambry Genetics
Classification: Uncertain significance for Inborn genetic diseases. Last evaluated: 2025-06-24. Review status: criteria provided, single submitter. Criteria: Ambry Variant Classification Scheme 2023. Collection method: clinical testing. Allele origin: germline.

Blueprint Genetics
Classification: Uncertain significance. Last evaluated: 2024-02-27. Review status: criteria provided, single submitter. Criteria: ACMG Guidelines, 2015. Collection method: clinical testing. Allele origin: germline.

Genome-Nilou Lab
Classification: Uncertain significance for Retinitis pigmentosa 39. Last evaluated: 2023-11-04. Review status: criteria provided, single submitter. Criteria: ACMG Guidelines, 2015. Collection method: clinical testing. Allele origin: germline. Affected: no.

Genome-Nilou Lab
Classification: Uncertain significance for Usher syndrome type 2A. Last evaluated: 2023-11-04. Review status: criteria provided, single submitter. Criteria: ACMG Guidelines, 2015. Collection method: clinical testing. Allele origin: germline. Affected: no.

Labcorp Genetics (formerly Invitae), Labcorp
Classification: Uncertain significance. Last evaluated: 2022-08-31. Review status: criteria provided, single submitter. Criteria: Invitae Variant Classification Sherloc (09022015). Collection method: clinical testing. Allele origin: germline.
Comment: This sequence change replaces threonine, which is neutral and polar, with alanine, which is neutral and non-polar, at codon 96 of the USH2A protein (p.Thr96Ala). This variant is present in population databases (rs557642490, gnomAD 0.01%). This variant has not been reported in the literature in individuals affected with USH2A-related conditions. ClinVar contains an entry for this variant (Variation ID: 1055749). Algorithms developed to predict the effect of missense changes on protein structure and function output the following: SIFT: "Tolerated"; PolyPhen-2: "Benign"; Align-GVGD: "Class C0". The alanine amino acid residue is found in multiple mammalian species, which suggests that this missense change does not adversely affect protein function. In summary, the available evidence is currently insufficient to determine the role of this variant in disease. Therefore, it has been classified as a Variant of Uncertain Significance.

Natera, Inc.
Classification: Uncertain significance for Usher syndrome type 2A. Last evaluated: 2020-02-27. Review status: no assertion criteria provided. Collection method: clinical testing. Allele origin: germline. Not counted in ClinVar's aggregate classification.